The following is an entry in ClinVar:

NM_001267550.2(TTN):c.42292T>C (p.Phe14098Leu)

Gene: TTN (titin; minus strand). Cytogenetic location: 2q31.2.
Variant type: single nucleotide variant.
Coding change: c.42292T>C on transcript NM_001267550.2 (MANE Select); coding-DNA position 42292, T replaced by C.
Protein change: p.Phe14098Leu; replaces phenylalanine 14098 with leucine.
Molecular consequence: missense variant.
Genome position (GRCh38, 1-based): chr2:178,634,489, A>G on the plus strand (T>C on the coding strand, the complement: TTN is on the minus strand). VCF-style: chr2-178634489-A-G. GRCh37 (hg19) VCF-style: chr2-179499216-A-G.
Other names: c.37369T>C, p.Phe12457Leu (NM_001256850.1); c.15097T>C, p.Phe5033Leu (NM_003319.4); c.34588T>C, p.Phe11530Leu (NM_133378.4); c.15472T>C, p.Phe5158Leu (NM_133432.3); c.15673T>C, p.Phe5225Leu (NM_133437.4); short protein forms F11530L, F5033L, F5225L, F12457L, F14098L, F5158L.
Identifiers: ClinVar variation 682226 (VCV000682226.1), dbSNP rs764819276, ClinGen allele CA1996108.

ClinVar aggregate classification (germline): Likely benign (1 of 4 stars; one submission).

Allele frequency attached by ClinVar (database versions not stated): gnomAD exomes below 0.00001; TOPMed below 0.00001; ExAC 0.00001; gnomAD 0.00001 and 0.00002.
gnomAD v4.1: 7 of 1,613,208 alleles (0.00043%); highest among the groups gnomAD compares: Admixed American, 0.0017%; no homozygotes.

Submission:

GeneDx
Classification: Likely benign. Last evaluated: 2018-05-02. Review status: criteria provided, single submitter. Criteria: GeneDx Variant Classification (06012015). Collection method: clinical testing. Allele origin: germline. Affected: yes.
Comment: This variant is considered likely benign or benign based on one or more of the following criteria: it is a conservative change, it occurs at a poorly conserved position in the protein, it is predicted to be benign by multiple in silico algorithms, and/or has population frequency not consistent with disease.